The following continues an entry in ClinVar:

NM_000051.4(ATM):c.6095G>A (p.Arg2032Lys)

ClinVar aggregate classification (germline): Pathogenic/Likely pathogenic. Pathogenic (24); Likely pathogenic (4).

Submissions 9 to 20 of 34:

Color Diagnostics, LLC DBA Color Health
Classification: Pathogenic for Hereditary cancer-predisposing syndrome. Last evaluated: 2024-10-21. Review status: criteria provided, single submitter. Criteria: ACMG Guidelines, 2015. Collection method: clinical testing. Allele origin: germline.
Comment: This variant causes a G to A nucleotide substitution at the last nucleotide of exon 41 of the ATM gene and replaces arginine with lysine at codon 2032 of the ATM protein. Splice site prediction tools suggest that this variant may have a significant impact on RNA splicing. RNA studies using carrier-derived RNA have shown that this variant causes the skipping of exon 41 (also known as exon 43 in the literature), creating a premature translation stop signal (PMID: 9443866, 9887333, 10980530). The aberrant transcript is expected to result in an absent or non-functional protein product. Functional cytometric analysis of cells from individuals carrying this variant and affected with chronic lymphocytic leukemia showed decreased kinase activity (PMID: 36029002). This variant has been described as a recurrent mutation in the Polish population (PMID: 9443866, 16266405) and has been reported in many individuals affected with ataxia-telangiectasia (PMID: 9443866, 9887333, 10330348, 10817650, 10980530, 16266405, 25614872, 27159176) or adult-onset focal dystonia (PMID: 37445923). This variant has also been reported in individuals affected breast cancer, prostate cancer, pancreatic cancer or gastric cancer (PMID: 22585167, 26506520, 29678143, 31012270, 34377931). In a large international case-control study, this variant was reported in 9/60466 breast cancer cases and 4/53461 controls (OR=1.989, 95%CI 0.613 to 6.461, p-value=0.279; PMID: 33471991). This variant has been identified in 7/251394 chromosomes in the general population by the Genome Aggregation Database (gnomAD). Loss of ATM function is a known mechanism of disease. Based on the available evidence, this variant is classified as Pathogenic.

Molecular Pathology, Peter Maccallum Cancer Centre
Classification: Pathogenic for Ataxia-telangiectasia syndrome. Last evaluated: 2024-08-22. Review status: criteria provided, single submitter. Criteria: ACMG Guidelines, 2015. Collection method: clinical testing. Allele origin: germline. Inheritance: Autosomal recessive inheritance.

Quest Diagnostics Nichols Institute San Juan Capistrano
Classification: Pathogenic. Last evaluated: 2024-08-01. Review status: criteria provided, single submitter. Criteria: Quest Diagnostics criteria. Collection method: clinical testing. Allele origin: unknown.
Comment: The ATM c.6095G>A (p.Arg2032Lys) variant has been reported in the published literature in individuals with ataxia-telangiectasia (PMID: 31921190 (2019), 30772474 (2019), 27159176 (2016), 25614872 (2014), 16266405 (2005), 10980530 (2000), 10330348 (1999), 9887333 (1999)), breast cancer (PMID: 30426508 (2018)), pancreatic cancer (PMID: 22585167 (2012)), and gastric cancer (PMID: 26506520 (2015)). Functional studies demonstrated that this variant disrupted mRNA splicing resulting in premature termination of the protein (PMID: 10330348 (1999), 9887333 (1999)). The frequency of this variant in the general population, 0.000062 (7/113718 chromosomes (Genome Aggregation Database)), is uninformative in the assessment of its pathogenicity. Analysis of this variant using bioinformatics tools for the prediction of the effect of amino acid changes on protein structure and function yielded predictions that this variant is damaging. Based on the available information, this variant is classified as pathogenic.

Baylor Genetics
Classification: Pathogenic for Familial cancer of breast. Last evaluated: 2024-03-29. Review status: criteria provided, single submitter. Criteria: ACMG Guidelines, 2015. Collection method: clinical testing. Allele origin: unknown.

Revvity Omics, Revvity
Classification: Pathogenic for Ataxia-telangiectasia syndrome. Last evaluated: 2024-03-13. Review status: criteria provided, single submitter. Criteria: ACMG Guidelines, 2015. Collection method: clinical testing. Allele origin: germline.

Myriad Genetics, Inc.
Classification: Likely pathogenic for Familial cancer of breast. Last evaluated: 2024-01-29. Review status: criteria provided, single submitter. Criteria: Myriad Autosomal Dominant, Autosomal Recessive and X-Linked Classification Criteria (2023). Collection method: clinical testing. Allele origin: unknown.
Comment: This variant is considered likely pathogenic. This variant has been reported in multiple individuals with clinical features of gene-specific disease [PMID: 16266405]. mRNA analysis has demonstrated abnormal mRNA splicing occurs [PMID: 9887333, 10330348].

Genetic Services Laboratory, University of Chicago
Classification: Pathogenic. Last evaluated: 2024-01-23. Review status: criteria provided, single submitter. Criteria: ACMG Guidelines, 2015. Collection method: clinical testing. Allele origin: germline. Affected: yes.
Comment: DNA sequence analysis of the ATM gene demonstrated a sequence change, c.6095G>A, in exon 41 that results in an amino acid change, p.Arg2032Lys. The p.Arg2032Lys change affects a highly conserved amino acid residue located in a domain of the ATM protein that is known to be functional. In-silico pathogenicity prediction tools (SIFT, PolyPhen2, Align GVGD, REVEL) provide contradictory results for the p.Arg2032Lys substitution. This sequence change has previously been described in individuals with ataxia-telangiectasia (A-T) (PMID: 9887333, 10330348, 10980530, 16266405, 25614872, 27159176) and has been described as a recurrent mutation in the Polish population (PMID: 9443866, 16266405). It has also been described in association with pancreatic cancer, breast cancer, prostate cancer or gastric cancer (PMID: 22585167, 26506520, 29678143, 31012270). This sequence change has been described in the gnomAD database with a frequency of 0.006% in the European subpopulation (dbSNP rs139770721). Studies performed on RNA isolated from an individual with A-T showed results in skipping of exon 41 (called exon 43 in the literature) and introduces a premature termination codon (PMID: 9887333, 9443866, 10980530). These collective evidences indicate that this sequence change is pathogenic.

ARUP Laboratories, Molecular Genetics and Genomics, ARUP Laboratories
Classification: Pathogenic. Last evaluated: 2024-01-19. Review status: criteria provided, single submitter. Criteria: ARUP Molecular Germline Variant Investigation Process 2024. Collection method: clinical testing. Allele origin: germline.
Comment: The ATM c.6095G>A; p.Arg2032Lys variant (rs139770721) is recurrently reported in the medical literature in the compound heterozygous or homozygous state in individuals affected with ataxia-telangiectasia and has been described as a founder mutation in the Polish population (Cavaciuti 2005, Laake 2000, Mitui 2005, Podralska 2014). This variant has also been reported in cohorts affected with pancreatic cancer (Roberts 2012), gastric cancer (Huang 2015, Li 2000), and breast cancer (Schubert 2019, Thorstenson 2003). This variant is also reported in ClinVar (Variation ID: 181974). This variant is found in the non-Finnish European population with an allele frequency of 0.006% (7/113718 alleles) in the Genome Aggregation Database (v2.1.1). Computational analyses are uncertain whether this variant is neutral or deleterious (REVEL: 0.436); however, computational analyses (Alamut Visual Plus v.1.5.1) predict that this variant may impact splicing through loss of a nearby splice donor site, and mRNA analyses revealed skipping of exon 41 (also known as exon 43) in lymphocytes derived from an affected individual (Sandoval 1999). Loss of exon 41 is predicted to lead to a frameshift resulting in a truncated protein or mRNA subject to nonsense-mediated decay. Based on available information, this variant is considered to be pathogenic. References: Cavaciuti E et al. Cancer risk according to type and location of ATM mutation in ataxia-telangiectasia families. Genes Chromosomes Cancer. 2005 Jan. PMID: 15390180. Huang DS et al. Prevalence of deleterious ATM germline mutations in gastric cancer patients. Oncotarget. 2015 Dec 1. PMID: 26506520. Laake K et al. Characterization of ATM mutations in 41 Nordic families with ataxia telangiectasia. Hum Mutat. 2000 Sep. PMID: 10980530. Li A et al. Mutations at the ataxia-telangiectasia locus and clinical phenotypes of A-T patients. Am J Med Genet. 2000 May 29. PMID: 10817650. Mitui M et al. ATM gene founder haplotypes and associated mutations in Polish families with ataxia-telangiectasia. Ann Hum Genet. 2005 Nov. PMID: 16266405. Podralska MJ et al. Ten new ATM alterations in Polish patients with ataxia-telangiectasia. Mol Genet Genomic Med. 2014 Nov. PMID: 25614872. Roberts NJ et al. ATM mutations in patients with hereditary pancreatic cancer. Cancer discovery. 2012 Jan. PMID: 22585167. Sandoval N et al. Characterization of ATM gene mutations in 66 ataxia telangiectasia families. Hum Mol Genet. 1999 Jan. PMID: 9887333. Schubert S et al. The identification of pathogenic variants in BRCA1/2 negative, high risk, hereditary breast and/or ovarian cancer patients: High frequency of FANCM pathogenic variants. Int J Cancer. 2019 Jun 1. PMID: 30426508. Thorstenson YR et al. Contributions of ATM mutations to familial breast and ovarian cancer. Cancer Res. 2003 Jun 15. PMID: 12810666.

GeneDx
Classification: Pathogenic. Last evaluated: 2023-04-27. Review status: criteria provided, single submitter. Criteria: GeneDx Variant Classification Process June 2021. Collection method: clinical testing. Allele origin: germline. Affected: yes.
Comment: Alters the last nucleotide of the exon in a gene for which loss-of-function is a known mechanism of disease, and published functional studies and splice predictors support a deleterious effect (Telatar et al., 1998); Observed in the heterozygous state in individuals with ATM-related and other cancers (Thorstenson et al., 2003; Roberts et al., 2012; Huang et al., 2015; Yurgelun et al., 2015; Podralska et al., 2018; Waszak et al., 2018; Schubert et al., 2019); Not observed at significant frequency in large population cohorts (gnomAD); This variant is associated with the following publications: (PMID: 15390180, 32875559, 28888541, 31921190, 20153123, 22585167, 12810666, 10817650, 10980530, 25980754, 26506520, 27878467, 29678143, 9443866, 10330348, 16266405, 27159176, 25614872, 9887333, 29753700, 30426508, 30772474, 23532176, 29625052, 31447099, 33077847, 34522244, 29922827, 34308104)

Blueprint Genetics
Classification: Pathogenic for ATM-related disorders. Last evaluated: 2023-03-02. Review status: criteria provided, single submitter. Criteria: ACMG Guidelines, 2015. Collection method: clinical testing. Allele origin: germline. Affected: yes. Observed: 5 variant alleles.

Centre for Mendelian Genomics, University Medical Centre Ljubljana
Classification: Pathogenic for Familial cancer of breast. Last evaluated: 2022-12-09. Review status: criteria provided, single submitter. Criteria: ACMG Guidelines, 2015. Collection method: research. Allele origin: germline. Affected: no.
Comment: PS3_MOD, PM3_VSTR

Clinical Genetics Laboratory, Skane University Hospital Lund
Classification: Pathogenic. Last evaluated: 2022-05-27. Review status: criteria provided, single submitter. Criteria: ACMG Guidelines, 2015. Collection method: clinical testing. Allele origin: germline. Affected: yes.